The following is an entry in ClinVar:

ClinVar aggregate classification (germline): Likely benign. Review status: criteria provided, multiple submitters, no conflicts (2 of 4 stars). 2 submissions from 2 submitters: Likely benign (2). Last evaluated 2025-11-11.

Conditions:
Combined immunodeficiency due to DOCK8 deficiency (HIES2). Also called: HIES autosomal recessive; DOCK8 Deficiency; HYPER-IgE RECURRENT INFECTION SYNDROME 2, AUTOSOMAL RECESSIVE; Hyper-IgE recurrent infection syndrome, autosomal recessive; HYPER-IgE SYNDROME 2, AUTOSOMAL RECESSIVE, WITH RECURRENT INFECTIONS. Identifiers: Orphanet 217390, MedGen C4722305, MONDO:0009478, OMIM 243700.
DOCK8-related disorder. Also called: DOCK8-related condition.

Submissions (2):

Labcorp Genetics (formerly Invitae), Labcorp
Classification: Likely benign for Combined immunodeficiency due to DOCK8 deficiency. Last evaluated: 2025-11-11. Review status: criteria provided, single submitter. Criteria: Invitae Variant Classification Sherloc (09022015). Collection method: clinical testing. Allele origin: germline.

PreventionGenetics, part of Exact Sciences
Classification: Likely benign for DOCK8-related condition. Last evaluated: 2024-11-08. Review status: criteria provided, single submitter. Criteria: ACMG Guidelines, 2015. Collection method: clinical testing. Allele origin: germline.
Comment: This variant is classified as likely benign based on ACMG/AMP sequence variant interpretation guidelines (Richards et al. 2015 PMID: 25741868, with internal and published modifications).

NM_203447.4(DOCK8):c.1602T>G (p.Pro534=)

Gene: DOCK8 (dedicator of cytokinesis 8; plus strand). Cytogenetic location: 9p24.3.
Variant type: single nucleotide variant.
Coding change: c.1602T>G on transcript NM_203447.4 (MANE Select); coding-DNA position 1602, T replaced by G.
Protein change: p.Pro534=; no amino-acid change (proline 534 retained).
Molecular consequence: synonymous variant.
Genome position (GRCh38, 1-based): chr9:340,244, T>G. VCF-style: chr9-340244-T-G. GRCh37 (hg19) VCF-style: chr9-340244-T-G.
Other names: c.1398T>G, p.Pro466= (NM_001190458.2, NM_001193536.2).
Identifiers: ClinVar variation 4716379 (VCV004716379.2).